The following is an entry in ClinVar:

ClinVar aggregate classification (germline): Uncertain significance (1 of 4 stars; one submission).

Conditions:
Hyperprolinemia type 2 (HYRPRO2). Also called: Delta-1-pyrroline-5-carboxylate dehydrogenase deficiency; 1-PYRROLINE-5-CARBOXYLATE DEHYDROGENASE DEFICIENCY; Deficiency of pyrroline-5-carboxylate reductase. Identifiers: Orphanet 79101, MedGen C2931835, MONDO:0009401, OMIM 239510.

Allele frequency attached by ClinVar (database versions not stated): gnomAD exomes below 0.00001; gnomAD 0.00001; TOPMed 0.00001.
gnomAD v4.1: 3 of 1,480,426 alleles (0.0002%); highest among the groups gnomAD compares: Admixed American, 0.0043%; no homozygotes.

Submission:

Labcorp Genetics (formerly Invitae), Labcorp
Classification: Uncertain significance for Hyperprolinemia type 2. Last evaluated: 2023-10-30. Review status: criteria provided, single submitter. Criteria: Invitae Variant Classification Sherloc (09022015). Collection method: clinical testing. Allele origin: germline.
Comment: This sequence change replaces proline, which is neutral and non-polar, with serine, which is neutral and polar, at codon 6 of the ALDH4A1 protein (p.Pro6Ser). This variant is not present in population databases (gnomAD no frequency). This variant has not been reported in the literature in individuals affected with ALDH4A1-related conditions. ClinVar contains an entry for this variant (Variation ID: 846391). Algorithms developed to predict the effect of missense changes on protein structure and function output the following: SIFT: "Not Available"; PolyPhen-2: "Not Available"; Align-GVGD: "Not Available". The serine amino acid residue is found in multiple mammalian species, which suggests that this missense change does not adversely affect protein function. In summary, the available evidence is currently insufficient to determine the role of this variant in disease. Therefore, it has been classified as a Variant of Uncertain Significance.

NM_003748.4(ALDH4A1):c.16C>T (p.Pro6Ser)

Genes: ALDH4A1 (aldehyde dehydrogenase 4 family member A1; minus strand), LOC129929550 (ATAC-STARR-seq lymphoblastoid silent region 346; plus strand). Cytogenetic location: 1p36.13.
Variant type: single nucleotide variant.
Coding change: c.16C>T on transcript NM_003748.4 (MANE Select); coding-DNA position 16, C replaced by T.
Protein change: p.Pro6Ser; replaces proline 6 with serine.
Molecular consequence: missense variant.
Genome position (GRCh38, 1-based): chr1:18,902,508, G>A on the plus strand (C>T on the coding strand, the complement: ALDH4A1 is on the minus strand). VCF-style: chr1-18902508-G-A. GRCh37 (hg19) VCF-style: chr1-19229002-G-A.
Other names: c.16C>T, p.Pro6Ser (NM_001319218.2, NM_170726.3); short protein forms P6S.
Identifiers: ClinVar variation 846391 (VCV000846391.10), dbSNP rs1212781668, ClinGen allele CA338769924.